The following is an entry in ClinVar:

NM_001378120.1(MBD5):c.3835A>G (p.Asn1279Asp)

Gene: MBD5 (methyl-CpG binding domain protein 5; plus strand). Cytogenetic location: 2q23.1.
Variant type: single nucleotide variant.
Coding change: c.3835A>G on transcript NM_001378120.1 (MANE Select); coding-DNA position 3835, A replaced by G.
Protein change: p.Asn1279Asp; replaces asparagine 1279 with aspartic acid.
Molecular consequence: missense variant.
Genome position (GRCh38, 1-based): chr2:148,489,467, A>G. VCF-style: chr2-148489467-A-G. GRCh37 (hg19) VCF-style: chr2-149247036-A-G.
Other names: c.3136A>G, p.Asn1046Asp (NM_018328.5); short protein forms N1046D, N1279D.
Identifiers: ClinVar variation 3642470 (VCV003642470.2).

ClinVar aggregate classification (germline): Uncertain significance (1 of 4 stars; one submission).

Conditions:
Intellectual developmental disorder, autosomal dominant 1. Also called: MBD5 Haploinsufficiency; Intellectual disability, autosomal dominant 1. Identifiers: Orphanet 228402, MedGen C1969562, MONDO:0007974, OMIM 156200.

Submission:

Labcorp Genetics (formerly Invitae), Labcorp
Classification: Uncertain significance for Intellectual developmental disorder, autosomal dominant 1. Last evaluated: 2024-03-05. Review status: criteria provided, single submitter. Criteria: Invitae Variant Classification Sherloc (09022015). Collection method: clinical testing. Allele origin: germline.
Comment: This sequence change replaces asparagine, which is neutral and polar, with aspartic acid, which is acidic and polar, at codon 1046 of the MBD5 protein (p.Asn1046Asp). This variant is not present in population databases (gnomAD no frequency). This variant has not been reported in the literature in individuals affected with MBD5-related conditions. Advanced modeling of protein sequence and biophysical properties (such as structural, functional, and spatial information, amino acid conservation, physicochemical variation, residue mobility, and thermodynamic stability) performed at Invitae indicates that this missense variant is not expected to disrupt MBD5 protein function with a negative predictive value of 80%. In summary, the available evidence is currently insufficient to determine the role of this variant in disease. Therefore, it has been classified as a Variant of Uncertain Significance.